The following is an entry in ClinVar:

NM_006015.6(ARID1A):c.1327G>A (p.Gly443Ser)

Gene: ARID1A (AT-rich interaction domain 1A; plus strand). Cytogenetic location: 1p36.11.
Variant type: single nucleotide variant.
Coding change: c.1327G>A on transcript NM_006015.6 (MANE Select); coding-DNA position 1327, G replaced by A.
Protein change: p.Gly443Ser; replaces glycine 443 with serine.
Molecular consequence: missense variant.
Genome position (GRCh38, 1-based): chr1:26,729,840, G>A. VCF-style: chr1-26729840-G-A. GRCh37 (hg19) VCF-style: chr1-27056331-G-A.
Other names: c.1327G>A, p.Gly443Ser (NM_139135.4); short protein forms G443S.
Identifiers: ClinVar variation 1301500 (VCV001301500.3), dbSNP rs2080656353, ClinGen allele CA339267805.

ClinVar aggregate classification (germline): Uncertain significance. Review status: criteria provided, multiple submitters, no conflicts (2 of 4 stars). 2 submissions from 2 submitters: Uncertain significance (2). Last evaluated 2025-06-07.

Conditions:
Inborn genetic diseases. Identifiers: MedGen C0950123, MeSH D030342.

Allele frequency attached by ClinVar (database versions not stated): gnomAD exomes below 0.00001.
gnomAD v4.1: 3 of 1,614,106 alleles (0.00019%); highest among the groups gnomAD compares: African/African-American, 0.004%; no homozygotes.

Submissions (2):

Ambry Genetics
Classification: Uncertain significance for Inborn genetic diseases. Last evaluated: 2025-06-07. Review status: criteria provided, single submitter. Criteria: Ambry Variant Classification Scheme 2023. Collection method: clinical testing. Allele origin: germline.

GeneDx
Classification: Uncertain significance. Last evaluated: 2023-02-12. Review status: criteria provided, single submitter. Criteria: GeneDx Variant Classification Process June 2021. Collection method: clinical testing. Allele origin: germline. Affected: yes.
Comment: Not observed at significant frequency in large population cohorts (gnomAD); In silico analysis supports that this missense variant has a deleterious effect on protein structure/function; Has not been previously published as pathogenic or benign to our knowledge